The following is an entry in ClinVar:

ClinVar aggregate classification (germline): Uncertain significance. Review status: criteria provided, multiple submitters, no conflicts (2 of 4 stars). 3 submissions from 3 submitters: Uncertain significance (3). Last evaluated 2024-12-24.

Conditions:
Inborn genetic diseases. Identifiers: MedGen C0950123, MeSH D030342.

Allele frequency attached by ClinVar (database versions not stated): ExAC 0.00001; gnomAD 0.00001 and 0.00002; gnomAD exomes 0.00001 and 0.00002; TOPMed 0.00002.
gnomAD v4.1: 18 of 1,612,670 alleles (0.0011%); highest among the groups gnomAD compares: Admixed American, 0.0017%; no homozygotes.

Submissions (3):

Ambry Genetics
Classification: Uncertain significance for Inborn genetic diseases. Last evaluated: 2024-12-24. Review status: criteria provided, single submitter. Criteria: Ambry Variant Classification Scheme 2023. Collection method: clinical testing. Allele origin: germline.

GeneDx
Classification: Uncertain significance. Last evaluated: 2024-10-26. Review status: criteria provided, single submitter. Criteria: GeneDx Variant Classification Process June 2021. Collection method: clinical testing. Allele origin: germline. Affected: yes.
Comment: In silico analysis indicates that this missense variant does not alter protein structure/function; Has not been previously published as pathogenic or benign to our knowledge

Labcorp Genetics (formerly Invitae), Labcorp
Classification: Uncertain significance. Last evaluated: 2022-06-22. Review status: criteria provided, single submitter. Criteria: Invitae Variant Classification Sherloc (09022015). Collection method: clinical testing. Allele origin: germline.
Comment: This sequence change replaces threonine, which is neutral and polar, with methionine, which is neutral and non-polar, at codon 53 of the NBAS protein (p.Thr53Met). The frequency data for this variant in the population databases is considered unreliable, as metrics indicate poor data quality at this position in the gnomAD database. This variant has not been reported in the literature in individuals affected with NBAS-related conditions. Algorithms developed to predict the effect of missense changes on protein structure and function (SIFT, PolyPhen-2, Align-GVGD) all suggest that this variant is likely to be disruptive. In summary, the available evidence is currently insufficient to determine the role of this variant in disease. Therefore, it has been classified as a Variant of Uncertain Significance.

NM_015909.4(NBAS):c.158C>T (p.Thr53Met)

Gene: NBAS (NBAS subunit of NRZ tethering complex; minus strand). Cytogenetic location: 2p24.3.
Variant type: single nucleotide variant.
Coding change: c.158C>T on transcript NM_015909.4 (MANE Select); coding-DNA position 158, C replaced by T.
Protein change: p.Thr53Met; replaces threonine 53 with methionine.
Molecular consequence: missense variant. On other transcripts: non-coding transcript variant (1).
Genome position (GRCh38, 1-based): chr2:15,558,594, G>A on the plus strand (C>T on the coding strand, the complement: NBAS is on the minus strand). VCF-style: chr2-15558594-G-A. GRCh37 (hg19) VCF-style: chr2-15698718-G-A.
Other names: c.158C>T (NM_015909.2, NM_015909.3); short protein forms T53M.
Identifiers: ClinVar variation 1509425 (VCV001509425.7), dbSNP rs776059952, ClinGen allele CA1537205.